The following is an entry in ClinVar:

NM_001197104.2(KMT2A):c.2099C>T (p.Pro700Leu)

Gene: KMT2A (lysine methyltransferase 2A; plus strand). Cytogenetic location: 11q23.3.
Variant type: single nucleotide variant.
Coding change: c.2099C>T on transcript NM_001197104.2 (MANE Select); coding-DNA position 2099, C replaced by T.
Protein change: p.Pro700Leu; replaces proline 700 with leucine.
Molecular consequence: missense variant.
Genome position (GRCh38, 1-based): chr11:118,473,258, C>T. VCF-style: chr11-118473258-C-T. GRCh37 (hg19) VCF-style: chr11-118343973-C-T.
Other names: c.2099C>T, p.Pro700Leu (NM_005933.4); short protein forms P700L.
Identifiers: ClinVar variation 1306598 (VCV001306598.2), dbSNP rs2134266194, ClinGen allele CA382812653.

ClinVar aggregate classification (germline): Uncertain significance (1 of 4 stars; one submission).

Submission:

GeneDx
Classification: Uncertain significance. Last evaluated: 2019-07-09. Review status: criteria provided, single submitter. Criteria: GeneDx Variant Classification Process June 2021. Collection method: clinical testing. Allele origin: germline. Affected: yes.
Comment: Not observed in large population cohorts (Lek et al., 2016); In silico analysis, which includes protein predictors and evolutionary conservation, supports a deleterious effect; Has not been previously published as pathogenic or benign to our knowledge